The following is an entry in ClinVar:

ClinVar aggregate classification (germline): Uncertain significance (1 of 4 stars; one submission).

Conditions:
Infantile spasms. Also called: Infantile spasm. Identifiers: MedGen C3887898, HP:0012469.

gnomAD v4.1: 23 of 1,614,118 alleles (0.0014%); highest among the groups gnomAD compares: Non-Finnish European, 0.0019%; no homozygotes.

Submission:

Labcorp Genetics (formerly Invitae), Labcorp
Classification: Uncertain significance for Infantile spasms. Last evaluated: 2023-01-17. Review status: criteria provided, single submitter. Criteria: Invitae Variant Classification Sherloc (09022015). Collection method: clinical testing. Allele origin: germline.
Comment: This sequence change replaces threonine, which is neutral and polar, with arginine, which is basic and polar, at codon 171 of the PIK3AP1 protein (p.Thr171Arg). This variant is not present in population databases (gnomAD no frequency). This variant has not been reported in the literature in individuals affected with PIK3AP1-related conditions. Algorithms developed to predict the effect of missense changes on protein structure and function (SIFT, PolyPhen-2, Align-GVGD) all suggest that this variant is likely to be tolerated. In summary, the available evidence is currently insufficient to determine the role of this variant in disease. Therefore, it has been classified as a Variant of Uncertain Significance.

NM_152309.3(PIK3AP1):c.512C>G (p.Thr171Arg)

Gene: PIK3AP1 (phosphoinositide-3-kinase adaptor protein 1; minus strand). Cytogenetic location: 10q24.1.
Variant type: single nucleotide variant.
Coding change: c.512C>G on transcript NM_152309.3 (MANE Select); coding-DNA position 512, C replaced by G.
Protein change: p.Thr171Arg; replaces threonine 171 with arginine.
Molecular consequence: missense variant.
Genome position (GRCh38, 1-based): chr10:96,656,853, G>C on the plus strand (C>G on the coding strand, the complement: PIK3AP1 is on the minus strand). VCF-style: chr10-96656853-G-C. GRCh37 (hg19) VCF-style: chr10-98416610-G-C.
Other names: short protein forms T171R.
Identifiers: ClinVar variation 2887627 (VCV002887627.3), dbSNP rs567912958, ClinGen allele CA377750018.